The following is an entry in ClinVar:

ClinVar aggregate classification (germline): Uncertain significance. Review status: criteria provided, multiple submitters, no conflicts (2 of 4 stars). 2 submissions from 2 submitters: Uncertain significance (2). Last evaluated 2022-06-25.

Conditions:
Cardiovascular phenotype. Identifiers: MedGen CN230736.
Alstrom syndrome (ALMS). Identifiers: Orphanet 64, MedGen C0268425, MONDO:0008763, OMIM 203800.

Allele frequency attached by ClinVar (database versions not stated): gnomAD exomes below 0.00001; TOPMed below 0.00001.
gnomAD v4.1: 2 of 1,614,056 alleles (0.00012%); highest among the groups gnomAD compares: Non-Finnish European, 0.00017%; no homozygotes.

Submissions (2):

Labcorp Genetics (formerly Invitae), Labcorp
Classification: Uncertain significance for Alstrom syndrome. Last evaluated: 2022-06-25. Review status: criteria provided, single submitter. Criteria: Invitae Variant Classification Sherloc (09022015). Collection method: clinical testing. Allele origin: germline.
Comment: This sequence change replaces glycine, which is neutral and non-polar, with arginine, which is basic and polar, at codon 1224 of the ALMS1 protein (p.Gly1224Arg). This variant is present in population databases (no rsID available, gnomAD 0.0009%). This variant has not been reported in the literature in individuals affected with ALMS1-related conditions. Experimental studies and prediction algorithms are not available or were not evaluated, and the functional significance of this variant is currently unknown. In summary, the available evidence is currently insufficient to determine the role of this variant in disease. Therefore, it has been classified as a Variant of Uncertain Significance.

Ambry Genetics
Classification: Uncertain significance for Cardiovascular phenotype. Last evaluated: 2019-02-05. Review status: criteria provided, single submitter. Criteria: Ambry Variant Classification Scheme 2023. Collection method: clinical testing. Allele origin: germline.
Comment: The p.G1224R variant (also known as c.3670G>A), located in coding exon 8 of the ALMS1 gene, results from a G to A substitution at nucleotide position 3670. The glycine at codon 1224 is replaced by arginine, an amino acid with dissimilar properties. This amino acid position is not well conserved in available vertebrate species, and arginine is the reference amino acid in other vertebrate species. In addition, this alteration is predicted to be tolerated by in silico analysis. Since supporting evidence is limited at this time, the clinical significance of this alteration remains unclear.

NM_001378454.1(ALMS1):c.3667G>A (p.Gly1223Arg)

Gene: ALMS1 (ALMS1 centrosome and basal body associated protein; plus strand). Cytogenetic location: 2p13.1.
Variant type: single nucleotide variant.
Coding change: c.3667G>A on transcript NM_001378454.1 (MANE Select); coding-DNA position 3667, G replaced by A.
Protein change: p.Gly1223Arg; replaces glycine 1223 with arginine.
Molecular consequence: missense variant.
Genome position (GRCh38, 1-based): chr2:73,450,194, G>A. VCF-style: chr2-73450194-G-A. GRCh37 (hg19) VCF-style: chr2-73677321-G-A.
Other names: c.3670G>A, p.Gly1224Arg (NM_015120.4); short protein forms G1223R, G1224R.
Identifiers: ClinVar variation 1733791 (VCV001733791.4), dbSNP rs1314501335, ClinGen allele CA347276179.
Genomic context (GRCh38, chr2:73,450,194, plus strand): 5'-CAACAGACCTTGCCAGGTAGTCACATACCTGAAGAGGCACAGAAAGTTTCACCTGTTCTT[G>A]GACCAGCTGACCAGAAGACTGGGACACCAACTCCAACCTCTGCTTCTTACTCACACACAG-3'
Protein context (NP_001365383.1, residues 1213-1233): EEAQKVSPVL[Gly1223Arg]PADQKTGTPT